The following is an entry in ClinVar:

NM_002880.4(RAF1):c.1504G>A (p.Val502Ile)

Gene: RAF1 (Raf-1 proto-oncogene, serine/threonine kinase; minus strand). Cytogenetic location: 3p25.2.
Variant type: single nucleotide variant.
Coding change: c.1504G>A on transcript NM_002880.4 (MANE Select); coding-DNA position 1504, G replaced by A.
Protein change: p.Val502Ile; replaces valine 502 with isoleucine.
Molecular consequence: missense variant. On other transcripts: non-coding transcript variant (3).
Genome position (GRCh38, 1-based): chr3:12,585,713, C>T on the plus strand (G>A on the coding strand, the complement: RAF1 is on the minus strand). VCF-style: chr3-12585713-C-T. GRCh37 (hg19) VCF-style: chr3-12627212-C-T.
Other names: c.1564G>A, p.Val522Ile (NM_001354689.3); c.1504G>A, p.Val502Ile (NM_001354690.3); c.1261G>A, p.Val421Ile (NM_001354691.3, NM_001354692.3); c.1405G>A, p.Val469Ile (NM_001354693.3); c.1321G>A, p.Val441Ile (NM_001354694.3); c.1162G>A, p.Val388Ile (NM_001354695.3); short protein forms V388I, V421I, V441I, V469I, V502I, V522I.
Identifiers: ClinVar variation 3610193 (VCV003610193.2).
Genomic context (GRCh38, chr3:12,585,713, plus strand): 5'-GACTGCTGGTGGGAGCCCAGATTCTCACCATCCAGAGGACAGAGCCAGTAGGTTGTTCAA[C>T]CTGCTGAGAACCACTCCAGCGTGACTTTACTGTTGCCAAACCAAAATCTCCAATTTTCAC-3'
Protein context (NP_002871.1, residues 492-512): VKSRWSGSQQ[Val502Ile]EQPTGSVLWM

ClinVar aggregate classification (germline): Uncertain significance (1 of 4 stars; one submission).

Conditions:
RASopathy. Also called: rasopathies; Noonan spectrum disorder. Identifiers: Orphanet 536391, MedGen C5555857, MONDO:0021060.

gnomAD v4.1: 4 of 1,614,182 alleles (0.00025%); highest among the groups gnomAD compares: Non-Finnish European, 0.00025%; no homozygotes.

Submission:

Labcorp Genetics (formerly Invitae), Labcorp
Classification: Uncertain significance for RASopathy. Last evaluated: 2024-09-04. Review status: criteria provided, single submitter. Criteria: Invitae Variant Classification Sherloc (09022015). Collection method: clinical testing. Allele origin: germline.
Comment: This sequence change replaces valine, which is neutral and non-polar, with isoleucine, which is neutral and non-polar, at codon 502 of the RAF1 protein (p.Val502Ile). This variant is not present in population databases (gnomAD no frequency). This variant has not been reported in the literature in individuals affected with RAF1-related conditions. Invitae Evidence Modeling of protein sequence and biophysical properties (such as structural, functional, and spatial information, amino acid conservation, physicochemical variation, residue mobility, and thermodynamic stability) has been performed for this missense variant. However, the output from this modeling did not meet the statistical confidence thresholds required to predict the impact of this variant on RAF1 protein function. In summary, the available evidence is currently insufficient to determine the role of this variant in disease. Therefore, it has been classified as a Variant of Uncertain Significance.